The following is an entry in ClinVar:

NM_001031739.3(ASB9):c.644C>G (p.Ala215Gly)

Gene: ASB9 (ankyrin repeat and SOCS box containing 9; minus strand). Cytogenetic location: Xp22.2.
Variant type: single nucleotide variant.
Coding change: c.644C>G on transcript NM_001031739.3 (MANE Select); coding-DNA position 644, C replaced by G.
Protein change: p.Ala215Gly; replaces alanine 215 with glycine.
Molecular consequence: missense variant.
Genome position (GRCh38, 1-based): chrX:15,248,860, G>C on the plus strand (C>G on the coding strand, the complement: ASB9 is on the minus strand). VCF-style: chrX-15248860-G-C. GRCh37 (hg19) VCF-style: chrX-15266982-G-C.
Other names: c.614C>G, p.Ala205Gly (NM_001168530.2); c.644C>G, p.Ala215Gly (NM_001168531.2, NM_024087.3); short protein forms A205G, A215G.
Identifiers: ClinVar variation 4863740 (VCV004863740.1).

ClinVar aggregate classification (germline): Uncertain significance (1 of 4 stars; one submission).

Submission:

Ambry Genetics
Classification: Uncertain significance. Last evaluated: 2026-04-06. Review status: criteria provided, single submitter. Criteria: Ambry Variant Classification Scheme 2023. Collection method: clinical testing. Allele origin: germline.
Comment: The c.644C>G (p.A215G) alteration is located in exon 6 (coding exon 6) of the ASB9 gene. This alteration results from a C to G substitution at nucleotide position 644, causing the alanine (A) at amino acid position 215 to be replaced by a glycine (G). Based on data from gnomAD, the G allele has an overall frequency of <0.001% (1/182490) total alleles studied. The highest observed frequency was 0.004% (1/27280) of Latino alleles. Based on insufficient or conflicting evidence, the clinical significance of this alteration remains unclear.